The following is an entry in ClinVar:

NM_172351.3(CD46):c.38C>T (p.Ser13Phe)

Genes: CD46 (CD46 molecule; plus strand), LOC129932405 (ATAC-STARR-seq lymphoblastoid active region 2449; plus strand). Cytogenetic location: 1q32.2.
Variant type: single nucleotide variant.
Coding change: c.38C>T on transcript NM_172351.3 (MANE Select); coding-DNA position 38, C replaced by T.
Protein change: p.Ser13Phe; replaces serine 13 with phenylalanine.
Molecular consequence: missense variant.
Genome position (GRCh38, 1-based): chr1:207,752,250, C>T. VCF-style: chr1-207752250-C-T. GRCh37 (hg19) VCF-style: chr1-207925595-C-T.
Other names: p.Ser13Phe; c.38C>T, p.Ser13Phe (NM_002389.4, NM_153826.4, NM_172350.3 and 8 more transcripts); short protein forms S13F.
Identifiers: ClinVar variation 875708 (VCV000875708.30), dbSNP rs138843816, ClinGen allele CA1371513.

ClinVar aggregate classification (germline): Benign/Likely benign. Review status: criteria provided, multiple submitters, no conflicts (2 of 4 stars). 11 submissions from 11 submitters: Benign (7); Likely benign (2). 2 of the submissions do not count toward it. Last evaluated 2026-02-01.

Conditions:
Atypical hemolytic-uremic syndrome with MCP/CD46 anomaly. Also called: HEMOLYTIC UREMIC SYNDROME, ATYPICAL, SUSCEPTIBILITY TO, 2; AHUS, SUSCEPTIBILITY TO, 2. Identifiers: Orphanet 2134, MedGen C2752040, MONDO:0013040, OMIM 612922.
Atypical hemolytic-uremic syndrome. Identifiers: Orphanet 2134, MedGen C2931788, MONDO:0016244.
CD46-related disorder. Also called: CD46-related condition.

Allele frequency attached by ClinVar (database versions not stated): ExAC 0.00500; 1000 Genomes Project 0.00859; 1000 Genomes Project 30x 0.00906; ESP Exome Variant Server 0.00146; gnomAD 0.00262 and 0.00307; TOPMed 0.00405.
gnomAD v4.1: 3,348 of 1,614,152 alleles (0.21%); highest among the groups gnomAD compares: East Asian, 3.8%; 59 homozygotes.

Submissions (11):

CeGaT Center for Human Genetics Tuebingen
Classification: Benign. Last evaluated: 2026-02-01. Review status: criteria provided, single submitter. Criteria: CeGaT Center For Human Genetics Tuebingen Variant Classification Criteria Version 2. Collection method: clinical testing. Allele origin: germline. Affected: yes. Observed: 1 variant allele.
Comment: CD46: BP4, BS1, BS2

Labcorp Genetics (formerly Invitae), Labcorp
Classification: Benign. Last evaluated: 2026-02-01. Review status: criteria provided, single submitter. Criteria: Invitae Variant Classification Sherloc (09022015). Collection method: clinical testing. Allele origin: germline.

Women's Health and Genetics/Laboratory Corporation of America, LabCorp
Classification: Likely benign. Last evaluated: 2026-01-22. Review status: criteria provided, single submitter. Criteria: LabCorp Variant Classification Summary - May 2015. Collection method: clinical testing. Allele origin: germline.

Mayo Clinic Laboratories, Mayo Clinic
Classification: Likely benign. Last evaluated: 2025-12-16. Review status: criteria provided, single submitter. Criteria: ACMG Guidelines, 2015. Collection method: clinical testing. Allele origin: germline. Observed: 32 variant alleles.
Comment: BS1, BP4_moderate

Genomenon, Inc
Classification: Benign for Atypical hemolytic-uremic syndrome. Last evaluated: 2025-10-02. Review status: criteria provided, single submitter. Criteria: Genomenon Sequence Variant Interpretation Standards. Collection method: curation. Allele origin: germline. Affected: no.
Comment: CD46 p.Ser13Phe (c.38C>T) is a missense variant that changes the amino acid at residue 13 from Serine to Phenylalanine. This variant has been reported in the published literature (PMID:33213850;27064621;23314101). This variant is present at high allele frequency in population databases. In conclusion, we classify CD46 p.Ser13Phe (c.38C>T) as a benign variant.

Blueprint Genetics
Classification: Benign. Last evaluated: 2024-11-26. Review status: criteria provided, single submitter. Criteria: ACMG Guidelines, 2015. Collection method: clinical testing. Allele origin: germline.

Genome Diagnostics Laboratory, The Hospital for Sick Children
Classification: Benign for Atypical hemolytic-uremic syndrome. Last evaluated: 2022-02-25. Review status: criteria provided, single submitter. Criteria: ACMG Guidelines, 2015. Collection method: clinical testing. Allele origin: germline.

Illumina Laboratory Services, Illumina
Classification: Benign for Atypical hemolytic-uremic syndrome with MCP/CD46 anomaly. Last evaluated: 2018-01-12. Review status: criteria provided, single submitter. Criteria: ICSL Variant Classification Criteria 13 December 2019. Collection method: clinical testing. Allele origin: germline.
Comment: This variant was observed in the ICSL laboratory as part of a predisposition screen in an ostensibly healthy population. It had not been previously curated by ICSL or reported in the Human Gene Mutation Database (HGMD: prior to June 1st, 2018), and was therefore a candidate for classification through an automated scoring system. Utilizing variant allele frequency, disease prevalence and penetrance estimates, and inheritance mode, an automated score was calculated to assess if this variant is too frequent to cause the disease. Based on the score and internal cut-off values, a variant classified as benign is not then subjected to further curation. The score for this variant resulted in a classification of benign for this disease.

Breakthrough Genomics
Classification: Benign. Review status: criteria provided, single submitter. Criteria: ACMG Guidelines, 2015. Collection method: not provided. Allele origin: germline. Inheritance: Autosomal recessive inheritance. Affected: yes.

Genetic Services Laboratory, University of Chicago
Classification: Benign. Last evaluated: 2022-09-02. Review status: no assertion criteria provided. Collection method: clinical testing. Allele origin: germline. Affected: no. Not counted in ClinVar's aggregate classification.

PreventionGenetics, part of Exact Sciences
Classification: Benign for CD46-related condition. Last evaluated: 2019-10-31. Review status: no assertion criteria provided. Collection method: clinical testing. Allele origin: germline. Not counted in ClinVar's aggregate classification.
Comment: This variant is classified as benign based on ACMG/AMP sequence variant interpretation guidelines (Richards et al. 2015 PMID: 25741868, with internal and published modifications).

Literature cited by the submitters: PubMed 31328266 (cited by Mayo Clinic Laboratories, Mayo Clinic); PubMed 33213850 (cited by Mayo Clinic Laboratories, Mayo Clinic and Genomenon, Inc); PubMed 27064621 (cited by Genomenon, Inc); PubMed 23314101 (cited by Genomenon, Inc).